The following is an entry in ClinVar:

NM_000059.4(BRCA2):c.4333A>G (p.Lys1445Glu)

Gene: BRCA2 (BRCA2 DNA repair associated; plus strand). Cytogenetic location: 13q13.1.
Variant type: single nucleotide variant.
Coding change: c.4333A>G on transcript NM_000059.4 (MANE Select); coding-DNA position 4333, A replaced by G.
Protein change: p.Lys1445Glu; replaces lysine 1445 with glutamic acid.
Molecular consequence: missense variant.
Genome position (GRCh38, 1-based): chr13:32,338,688, A>G. VCF-style: chr13-32338688-A-G. GRCh37 (hg19) VCF-style: chr13-32912825-A-G.
Other names: short protein forms K1445E.
Identifiers: ClinVar variation 186877 (VCV000186877.12), dbSNP rs786203291, ClinGen allele CA020001.

ClinVar aggregate classification (germline): Conflicting classifications of pathogenicity. Review status: criteria provided, conflicting classifications (1 of 4 stars). 3 submissions from 3 submitters: Uncertain significance (2); Likely benign (1). Last evaluated 2024-10-17.

Conditions:
Hereditary cancer-predisposing syndrome. Also called: Neoplastic Syndromes, Hereditary; Tumor predisposition; Hereditary Cancer Syndrome; Hereditary neoplastic syndrome. Identifiers: Orphanet 140162, MedGen C0027672, MeSH D009386, MONDO:0015356.
Hereditary breast ovarian cancer syndrome. Also called: Hereditary breast and ovarian cancer; Hereditary breast and/or ovarian cancer syndrome; BRCA1- and BRCA2-Associated Hereditary Breast and Ovarian Cancer; Hereditary breast and ovarian cancer syndrome (HBOC); Hereditary breast and ovarian cancer syndrome; Breast and ovarian cancer. Identifiers: Orphanet 145, MedGen C0677776, MeSH D061325, MONDO:0003582. Disease mechanism: loss of function.

Submissions (3):

Ambry Genetics
Classification: Uncertain significance for Hereditary cancer-predisposing syndrome. Last evaluated: 2024-10-17. Review status: criteria provided, single submitter. Criteria: Ambry Variant Classification Scheme 2023. Collection method: clinical testing. Allele origin: germline.

Labcorp Genetics (formerly Invitae), Labcorp
Classification: Uncertain significance for Hereditary breast ovarian cancer syndrome. Last evaluated: 2024-04-22. Review status: criteria provided, single submitter. Criteria: Invitae Variant Classification Sherloc (09022015). Collection method: clinical testing. Allele origin: germline.
Comment: This sequence change replaces lysine, which is basic and polar, with glutamic acid, which is acidic and polar, at codon 1445 of the BRCA2 protein (p.Lys1445Glu). This variant is not present in population databases (gnomAD no frequency). This variant has not been reported in the literature in individuals affected with BRCA2-related conditions. ClinVar contains an entry for this variant (Variation ID: 186877). Advanced modeling of protein sequence and biophysical properties (such as structural, functional, and spatial information, amino acid conservation, physicochemical variation, residue mobility, and thermodynamic stability) performed at Invitae indicates that this missense variant is not expected to disrupt BRCA2 protein function with a negative predictive value of 95%. In summary, the available evidence is currently insufficient to determine the role of this variant in disease. Therefore, it has been classified as a Variant of Uncertain Significance.

University of Washington Department of Laboratory Medicine, University of Washington
Classification: Likely benign for Hereditary cancer-predisposing syndrome. Last evaluated: 2023-03-23. Review status: criteria provided, single submitter. Criteria: Dines et al. (Genet Med. 2020). Collection method: curation. Allele origin: germline.
Comment: Missense variant in a coldspot region where missense variants are very unlikely to be pathogenic (PMID:31911673).

BRCA2 exon 11 coldspot. Reclassification based on statistical prior probability.